The following is an entry in ClinVar:

NM_020778.5(ALPK3):c.3214C>T (p.Pro1072Ser)

Gene: ALPK3 (alpha kinase 3; plus strand). Cytogenetic location: 15q25.3.
Variant type: single nucleotide variant.
Coding change: c.3214C>T on transcript NM_020778.5 (MANE Select); coding-DNA position 3214, C replaced by T.
Protein change: p.Pro1072Ser; replaces proline 1072 with serine.
Molecular consequence: missense variant.
Genome position (GRCh38, 1-based): chr15:84,857,952, C>T. VCF-style: chr15-84857952-C-T. GRCh37 (hg19) VCF-style: chr15-85401183-C-T.
Other names: short protein forms P1072S.
Identifiers: ClinVar variation 2781612 (VCV002781612.3), dbSNP rs1963887254, ClinGen allele CA393359819.

ClinVar aggregate classification (germline): Uncertain significance (1 of 4 stars; one submission).

Submission:

Labcorp Genetics (formerly Invitae), Labcorp
Classification: Uncertain significance. Last evaluated: 2023-08-30. Review status: criteria provided, single submitter. Criteria: Invitae Variant Classification Sherloc (09022015). Collection method: clinical testing. Allele origin: germline.
Comment: This sequence change replaces proline, which is neutral and non-polar, with serine, which is neutral and polar, at codon 1274 of the ALPK3 protein (p.Pro1274Ser). In summary, the available evidence is currently insufficient to determine the role of this variant in disease. Therefore, it has been classified as a Variant of Uncertain Significance. Advanced modeling of protein sequence and biophysical properties (such as structural, functional, and spatial information, amino acid conservation, physicochemical variation, residue mobility, and thermodynamic stability) performed at Invitae indicates that this missense variant is expected to disrupt ALPK3 protein function. This variant has not been reported in the literature in individuals affected with ALPK3-related conditions. This variant is not present in population databases (gnomAD no frequency).